The following is an entry in ClinVar:

NM_001291303.3(FAT4):c.779C>T (p.Pro260Leu)

Gene: FAT4 (FAT atypical cadherin 4; plus strand). Cytogenetic location: 4q28.1.
Variant type: single nucleotide variant.
Coding change: c.779C>T on transcript NM_001291303.3 (MANE Select); coding-DNA position 779, C replaced by T.
Protein change: p.Pro260Leu; replaces proline 260 with leucine.
Molecular consequence: missense variant.
Genome position (GRCh38, 1-based): chr4:125,317,190, C>T. VCF-style: chr4-125317190-C-T. GRCh37 (hg19) VCF-style: chr4-126238345-C-T.
Other names: c.779C>T, p.Pro260Leu (NM_001291285.3, NM_024582.6); c.779C>T (NM_024582.4); short protein forms P260L.
Identifiers: ClinVar variation 1445741 (VCV001445741.6), dbSNP rs749582331, ClinGen allele CA3071864.

ClinVar aggregate classification (germline): Uncertain significance. Review status: criteria provided, multiple submitters, no conflicts (2 of 4 stars). 2 submissions from 2 submitters: Uncertain significance (2). Last evaluated 2024-07-05.

Allele frequency attached by ClinVar (database versions not stated): ExAC 0.00003; gnomAD 0.00011; TOPMed 0.00014.
gnomAD v4.1: 27 of 1,595,940 alleles (0.0017%); highest among the groups gnomAD compares: African/African-American, 0.033%; no homozygotes.

Submissions (2):

GeneDx
Classification: Uncertain significance. Last evaluated: 2024-07-05. Review status: criteria provided, single submitter. Criteria: GeneDx Variant Classification Process June 2021. Collection method: clinical testing. Allele origin: germline. Affected: yes.
Comment: In silico analysis indicates that this missense variant does not alter protein structure/function; Has not been previously published as pathogenic or benign to our knowledge

Labcorp Genetics (formerly Invitae), Labcorp
Classification: Uncertain significance. Last evaluated: 2021-09-24. Review status: criteria provided, single submitter. Criteria: Invitae Variant Classification Sherloc (09022015). Collection method: clinical testing. Allele origin: germline.
Comment: This sequence change replaces proline with leucine at codon 260 of the FAT4 protein (p.Pro260Leu). The proline residue is highly conserved and there is a moderate physicochemical difference between proline and leucine. This variant is present in population databases (rs749582331, ExAC 0.03%). This variant has not been reported in the literature in individuals with FAT4-related conditions. Advanced modeling of protein sequence and biophysical properties (such as structural, functional, and spatial information, amino acid conservation, physicochemical variation, residue mobility, and thermodynamic stability) performed at Invitae indicates that this missense variant is not expected to disrupt FAT4 protein function. In summary, the available evidence is currently insufficient to determine the role of this variant in disease. Therefore, it has been classified as a Variant of Uncertain Significance.